The following is an entry in ClinVar:

ClinVar aggregate classification (germline): Uncertain significance (1 of 4 stars; one submission).

Conditions:
Arrhythmogenic right ventricular dysplasia 11. Also called: Arrhythmogenic right ventricular dysplasia 11 with mild palmoplantar keratoderma and woolly hair; Arrhythmogenic Right Ventricular Dysplasia/Cardiomyopathy11; ARRHYTHMOGENIC RIGHT VENTRICULAR DYSPLASIA, FAMILIAL, 11. Identifiers: MedGen C1864850, MONDO:0012506, OMIM 610476.

Submission:

Labcorp Genetics (formerly Invitae), Labcorp
Classification: Uncertain significance for Arrhythmogenic right ventricular dysplasia 11. Last evaluated: 2021-09-16. Review status: criteria provided, single submitter. Criteria: Invitae Variant Classification Sherloc (09022015). Collection method: clinical testing. Allele origin: germline.
Comment: In summary, the available evidence is currently insufficient to determine the role of this variant in disease. Therefore, it has been classified as a Variant of Uncertain Significance. This variant disrupts the C-terminus of the DSC2 protein. Other variant(s) that disrupt this region (p.Gly863Lysfs*13) have been observed in individuals with DSC2-related conditions (PMID: 31386562). This suggests that this may be a clinically significant region of the protein. Experimental studies and prediction algorithms are not available or were not evaluated, and the functional significance of this variant is currently unknown. This variant has not been reported in the literature in individuals affected with DSC2-related conditions. This variant is not present in population databases (ExAC no frequency). This sequence change creates a premature translational stop signal (p.Tyr857Leufs*2) in the DSC2 gene. While this is not anticipated to result in nonsense mediated decay, it is expected to disrupt the last 45 amino acid(s) of the DSC2 protein.

Literature cited by the submitters: PubMed 31386562.

NM_024422.6(DSC2):c.2570_2574del (p.Tyr857fs)

Gene: DSC2 (desmocollin 2; minus strand). Cytogenetic location: 18q12.1.
Variant type: Deletion.
Coding change: c.2570_2574del on transcript NM_024422.6 (MANE Select); coding-DNA positions 2570 to 2574, 5 bases deleted (ATAAC; older notation c.2570_2574delATAAC).
Protein change: p.Tyr857fs; shifts the reading frame from tyrosine 857.
Molecular consequence: frameshift variant. On other transcripts: 3 prime UTR variant (1).
Genome position (GRCh38, 1-based): chr18:31,068,147-31,068,151, GTTAT deleted on the plus strand (ATAAC on the coding strand, the reverse complement: DSC2 is on the minus strand). VCF-style (leftmost placement, unchanged base first): chr18-31068146-AGTTAT-A. GRCh37 (hg19) VCF-style: chr18-28648112-AGTTAT-A.
Other names: c.*72_*76del (NM_004949.5); short protein forms Y857fs.
Identifiers: ClinVar variation 1374547 (VCV001374547.6), dbSNP rs2144781196, ClinGen allele CA2573155199.